The following is an entry in ClinVar:

NM_001112704.2(VAX1):c.242-5C>T

Gene: VAX1 (ventral anterior homeobox 1; minus strand). Cytogenetic location: 10q25.3.
Variant type: single nucleotide variant.
Coding change: c.242-5C>T on transcript NM_001112704.2 (MANE Select); 5 bases into the intron before coding-DNA position 242, C replaced by T.
Molecular consequence: intron variant.
Genome position (GRCh38, 1-based): chr10:117,136,664, G>A on the plus strand (C>T on the coding strand, the complement: VAX1 is on the minus strand). VCF-style: chr10-117136664-G-A. GRCh37 (hg19) VCF-style: chr10-118896175-G-A.
Other names: c.242-5C>T (NM_199131.3, NM_001112704.1).
Identifiers: ClinVar variation 2092858 (VCV002092858.6), dbSNP rs200000920, ClinGen allele CA5709732.

ClinVar aggregate classification (germline): Likely benign. Review status: criteria provided, single submitter (1 of 4 stars). 2 submissions from 2 submitters: Likely benign (1). 1 of the submissions does not count toward it. Last evaluated 2022-04-03.

Conditions:
VAX1-related disorder. Also called: VAX1-related condition.
Microphthalmia, syndromic 11 (MCOPS11). Identifiers: MedGen C3553077, MONDO:0013734, OMIM 614402.

Allele frequency attached by ClinVar (database versions not stated): ExAC 0.00007; gnomAD exomes 0.00007; 1000 Genomes Project 30x 0.00016; gnomAD 0.00017; 1000 Genomes Project 0.00020; TOPMed 0.00024.
gnomAD v4.1: 126 of 1,600,860 alleles (0.0079%); highest among the groups gnomAD compares: Admixed American, 0.018%; no homozygotes.

Submissions (2):

Labcorp Genetics (formerly Invitae), Labcorp
Classification: Likely benign for Microphthalmia, syndromic 11. Last evaluated: 2022-04-03. Review status: criteria provided, single submitter. Criteria: Invitae Variant Classification Sherloc (09022015). Collection method: clinical testing. Allele origin: germline.

PreventionGenetics, part of Exact Sciences
Classification: Likely benign for VAX1-related condition. Last evaluated: 2019-06-12. Review status: no assertion criteria provided. Collection method: clinical testing. Allele origin: germline. Not counted in ClinVar's aggregate classification.
Comment: This variant is classified as likely benign based on ACMG/AMP sequence variant interpretation guidelines (Richards et al. 2015 PMID: 25741868, with internal and published modifications).